The following is an entry in ClinVar:

ClinVar aggregate classification (germline): Uncertain significance (1 of 4 stars; one submission).

Conditions:
Spongy degeneration of central nervous system. Also called: ACY2 DEFICIENCY; AMINOACYLASE 2 DEFICIENCY; ASP DEFICIENCY; ASPA DEFICIENCY; ASPARTOACYLASE DEFICIENCY; CANAVAN-VAN BOGAERT-BERTRAND DISEASE. Identifiers: Orphanet 141, MedGen C0206307, MONDO:0010079, OMIM 271900.

Submission:

Labcorp Genetics (formerly Invitae), Labcorp
Classification: Uncertain significance for Spongy degeneration of central nervous system. Last evaluated: 2022-07-16. Review status: criteria provided, single submitter. Criteria: Invitae Variant Classification Sherloc (09022015). Collection method: clinical testing. Allele origin: germline.
Comment: This sequence change falls in intron 5 of the ASPA gene. It does not directly change the encoded amino acid sequence of the ASPA protein. It affects a nucleotide within the consensus splice site. This variant is not present in population databases (gnomAD no frequency). This variant has not been reported in the literature in individuals affected with ASPA-related conditions. Variants that disrupt the consensus splice site are a relatively common cause of aberrant splicing (PMID: 17576681, 9536098). Algorithms developed to predict the effect of sequence changes on RNA splicing suggest that this variant is not likely to affect RNA splicing. In summary, the available evidence is currently insufficient to determine the role of this variant in disease. Therefore, it has been classified as a Variant of Uncertain Significance.

Literature cited by the submitters: PubMed 17576681; PubMed 9536098.

NM_000049.4(ASPA):c.744+6A>T

Genes: ASPA (aspartoacylase; plus strand), SPATA22 (spermatogenesis associated 22; minus strand). Cytogenetic location: 17p13.2.
Variant type: single nucleotide variant.
Coding change: c.744+6A>T on transcript NM_000049.4 (MANE Select); 6 bases into the intron after coding-DNA position 744, A replaced by T.
Molecular consequence: intron variant.
Genome position (GRCh38, 1-based): chr17:3,494,465, A>T. VCF-style: chr17-3494465-A-T. GRCh37 (hg19) VCF-style: chr17-3397759-A-T.
Other names: c.-74+18947T>A (NM_001321336.2, NM_001321337.2); c.744+6A>T (NM_001128085.1).
Identifiers: ClinVar variation 2047193 (VCV002047193.1), dbSNP rs748011528, ClinGen allele CA2580092545.